The following is an entry in ClinVar:

ClinVar aggregate classification (germline): Pathogenic. Review status: criteria provided, multiple submitters, no conflicts (2 of 4 stars). 5 submissions from 5 submitters: Pathogenic (4). 1 of the submissions does not count toward it. Last evaluated 2024-02-07.

Conditions:
Hereditary spastic paraplegia 11. Also called: SPASTIC PARAPLEGIA, AUTOSOMAL RECESSIVE, COMPLICATED, WITH THIN CORPUS CALLOSUM; SPASTIC PARAPLEGIA, AUTOSOMAL RECESSIVE, WITH MENTAL IMPAIRMENT AND THIN CORPUS CALLOSUM; Spastic Paraplegia 11; Spastic paraplegia, mental retardation and thin corpus callosum; Nakamura Osame syndrome; Autosomal recessive hereditary spastic paraplegia, mental impairment, and thin corpus callosum. Identifiers: Orphanet 2822, MedGen C1858479, MONDO:0011445, OMIM 604360.

Allele frequency attached by ClinVar (database versions not stated): gnomAD exomes 0.00001; ExAC 0.00002.

Submissions (5):

Labcorp Genetics (formerly Invitae), Labcorp
Classification: Pathogenic for Hereditary spastic paraplegia 11. Last evaluated: 2024-02-07. Review status: criteria provided, single submitter. Criteria: Invitae Variant Classification Sherloc (09022015). Collection method: clinical testing. Allele origin: germline.
Comment: This sequence change creates a premature translational stop signal (p.Gln498*) in the SPG11 gene. It is expected to result in an absent or disrupted protein product. Loss-of-function variants in SPG11 are known to be pathogenic (PMID: 19105190, 20110243, 22154821, 26556829). This variant is present in population databases (rs312262728, gnomAD 0.002%). This premature translational stop signal has been observed in individual(s) with hereditary spastic paraplegia (PMID: 20971220, 24833714). ClinVar contains an entry for this variant (Variation ID: 41399). For these reasons, this variant has been classified as Pathogenic.

Broad Center for Mendelian Genomics, Broad Institute of MIT and Harvard
Classification: Pathogenic for Hereditary spastic paraplegia 11. Last evaluated: 2023-01-25. Review status: criteria provided, single submitter. Criteria: ACMG Guidelines, 2015. Collection method: curation. Allele origin: germline. Inheritance: Autosomal recessive inheritance.
Comment: The homozygous p.Gln498Ter variant in SPG11 was identified by our study in two siblings with spastic paraplegia. The p.Gln498Ter variant in SPG11 has been reported in 2 unrelated individuals with hereditary spastic paraplegia 11 (PMID: 20971220, PMID: 24833714) and segregated with disease in five affected relatives from one family (PMID: 20971220), but has been identified in 0.002% (2/113568) of European (non-Finnish) chromosomes by the Genome Aggregation Database (gnomAD; dbSNP ID: rs312262728). Although this variant has been seen in the general population in a heterozygous state, its frequency is low enough to be consistent with a recessive carrier frequency. Of these 2 unrelated affected individuals (PMID: 20971220, PMID: 24833714), one was a homozygote (PMID: 20971220) and one was a compound heterozygote who carried a likely pathogenic variant in trans (PMID: 24833714, ClinVar Variation ID: 1180685), which increases the likelihood that the p.Gln498Ter variant is pathogenic. This variant has also been reported in ClinVar (Variation ID: 41399) and has been interpreted as pathogenic by the Genome-Nilou Lab, the ‚Äã‚ÄãCeGaT Center for Human Genetics Tuebingen, and GeneReviews. This nonsense variant leads to a premature termination codon at position 498, which is predicted to lead to a truncated or absent protein. Loss of function of the SPG11 gene is an established disease mechanism in autosomal recessive SPG11-related neurologic disease. In summary, this variant meets criteria to be classified as pathogenic for autosomal recessive spastic paraplegia 11. ACMG/AMP Criteria applied: PVS1, PM2_Supporting, PM3_Strong, PP1_Moderate (Richards 2015).

Genome-Nilou Lab
Classification: Pathogenic for Hereditary spastic paraplegia 11. Last evaluated: 2021-07-22. Review status: criteria provided, single submitter. Criteria: ACMG Guidelines, 2015. Collection method: clinical testing. Allele origin: germline. Affected: yes.

CeGaT Center for Human Genetics Tuebingen
Classification: Pathogenic. Last evaluated: 2018-01-01. Review status: criteria provided, single submitter. Criteria: CeGaT Center For Human Genetics Tuebingen Variant Classification Criteria Version 2. Collection method: clinical testing. Allele origin: germline. Affected: yes. Observed: 1 variant allele.

GeneReviews
Classification: Pathogenic for Spastic Paraplegia 11. Last evaluated: 2013-01-31. Review status: no assertion criteria provided. Collection method: curation. Allele origin: unknown. Not counted in ClinVar's aggregate classification.
ClinVar note: Converted during submission from pathologic to Pathogenic.

Literature cited by the submitters: PubMed 19105190 (cited by Labcorp Genetics (formerly Invitae), Labcorp); PubMed 20110243 (cited by Labcorp Genetics (formerly Invitae), Labcorp); PubMed 22154821 (cited by Labcorp Genetics (formerly Invitae), Labcorp); PubMed 26556829 (cited by Labcorp Genetics (formerly Invitae), Labcorp); PubMed 20971220 (cited by Labcorp Genetics (formerly Invitae), Labcorp); PubMed 24833714 (cited by Labcorp Genetics (formerly Invitae), Labcorp).

NM_025137.4(SPG11):c.1492C>T (p.Gln498Ter)

Gene: SPG11 (SPG11 vesicle trafficking associated, spatacsin; minus strand). Cytogenetic location: 15q21.1.
Variant type: single nucleotide variant.
Coding change: c.1492C>T on transcript NM_025137.4 (MANE Select); coding-DNA position 1492, C replaced by T.
Protein change: p.Gln498Ter; replaces glutamine 498 with a stop codon.
Molecular consequence: nonsense.
Genome position (GRCh38, 1-based): chr15:44,648,976, G>A on the plus strand (C>T on the coding strand, the complement: SPG11 is on the minus strand). VCF-style: chr15-44648976-G-A. GRCh37 (hg19) VCF-style: chr15-44941174-G-A.
Other names: NM_025137.4(SPG11):c.1492C>T; p.Gln498Ter; c.1492C>T, p.Gln498Ter (NM_001160227.2); short protein forms Q498*.
Identifiers: ClinVar variation 41399 (VCV000041399.51), dbSNP rs312262728, ClinGen allele CA344461.